The following is an entry in ClinVar:

NM_001084.5(PLOD3):c.889del (p.Arg297fs)

Gene: PLOD3 (procollagen-lysine,2-oxoglutarate 5-dioxygenase 3; minus strand). Cytogenetic location: 7q22.1.
Variant type: Deletion.
Coding change: c.889del on transcript NM_001084.5 (MANE Select); coding-DNA position 889, one base deleted (C; older notation c.889delC).
Protein change: p.Arg297fs; shifts the reading frame from arginine 297.
Molecular consequence: frameshift variant.
Genome position (GRCh38, 1-based): chr7:101,212,646, G deleted on the plus strand (C on the coding strand, the reverse complement: PLOD3 is on the minus strand); the first of 7 consecutive G bases (chr7:101,212,646-101,212,652); deleting any one gives the same sequence. VCF-style (leftmost placement, unchanged base first): chr7-101212645-CG-C. GRCh37 (hg19) VCF-style: chr7-100855926-CG-C.
Other names: short protein forms R297fs.
Identifiers: ClinVar variation 2984840 (VCV002984840.2), dbSNP rs770446713, ClinGen allele CA4407944.

ClinVar aggregate classification (germline): Pathogenic (1 of 4 stars; one submission).

Submission:

Labcorp Genetics (formerly Invitae), Labcorp
Classification: Pathogenic. Last evaluated: 2023-07-03. Review status: criteria provided, single submitter. Criteria: Invitae Variant Classification Sherloc (09022015). Collection method: clinical testing. Allele origin: germline.
Comment: The frequency data for this variant in the population databases is considered unreliable, as metrics indicate poor data quality at this position in the gnomAD database. This sequence change creates a premature translational stop signal (p.Arg297Glyfs*61) in the PLOD3 gene. It is expected to result in an absent or disrupted protein product. Loss-of-function variants in PLOD3 are known to be pathogenic (PMID: 30237576). For these reasons, this variant has been classified as Pathogenic. This variant has not been reported in the literature in individuals affected with PLOD3-related conditions.

Literature cited by the submitters: PubMed 30237576.